The following is an entry in ClinVar:

NM_080605.4(B3GALT6):c.367C>T (p.Pro123Ser)

Gene: B3GALT6 (beta-1,3-galactosyltransferase 6; plus strand). Cytogenetic location: 1p36.33.
Variant type: single nucleotide variant.
Coding change: c.367C>T on transcript NM_080605.4 (MANE Select); coding-DNA position 367, C replaced by T.
Protein change: p.Pro123Ser; replaces proline 123 with serine.
Molecular consequence: missense variant.
Genome position (GRCh38, 1-based): chr1:1,232,645, C>T. VCF-style: chr1-1232645-C-T. GRCh37 (hg19) VCF-style: chr1-1168025-C-T.
Other names: short protein forms P123S.
Identifiers: ClinVar variation 387709 (VCV000387709.9), dbSNP rs1057522880, ClinGen allele CA16603412.

ClinVar aggregate classification (germline): Uncertain significance. Review status: criteria provided, multiple submitters, no conflicts (2 of 4 stars). 4 submissions from 4 submitters: Uncertain significance (4). Last evaluated 2025-10-08.

Conditions:
Spondyloepimetaphyseal dysplasia with joint laxity (SEMDJL). Identifiers: MedGen C0432243, MONDO:0019675.
Ehlers-Danlos syndrome, spondylodysplastic type, 2 (EDSSPD2). Also called: Ehlers-Danlos syndrome, progeroid type, 2. Identifiers: Orphanet 536467, Orphanet 75496, MedGen C3809210, MONDO:0014139, OMIM 615349.
Inborn genetic diseases. Identifiers: MedGen C0950123, MeSH D030342.

Allele frequency attached by ClinVar (database versions not stated): gnomAD 0.00002 and 0.00003; TOPMed 0.00003; gnomAD exomes 0.00008.
gnomAD v4.1: 93 of 1,293,252 alleles (0.0072%); highest among the groups gnomAD compares: Non-Finnish European, 0.009%; no homozygotes.

Submissions (4):

Women's Health and Genetics/Laboratory Corporation of America, LabCorp
Classification: Uncertain significance. Last evaluated: 2025-10-08. Review status: criteria provided, single submitter. Criteria: LabCorp Variant Classification Summary - May 2015. Collection method: clinical testing. Allele origin: germline.
Comment: Variant summary: B3GALT6 c.367C>T (p.Pro123Ser) results in a non-conservative amino acid change in the encoded protein sequence. Algorithms developed to predict the effect of missense changes on protein structure and function are either unavailable or do not agree on the potential impact of this missense change. The frequency data for this variant in gnomAD is considered unreliable, as metrics indicate poor data quality at this position. To our knowledge, no occurrence of c.367C>T in individuals affected with B3GALT6-related conditions and no experimental evidence demonstrating its impact on protein function have been reported. ClinVar contains an entry for this variant (Variation ID: 387709). Based on the evidence outlined above, the variant was classified as uncertain significance.

Ambry Genetics
Classification: Uncertain significance for Inborn genetic diseases. Last evaluated: 2022-09-06. Review status: criteria provided, single submitter. Criteria: Ambry Variant Classification Scheme 2023. Collection method: clinical testing. Allele origin: germline.

Labcorp Genetics (formerly Invitae), Labcorp
Classification: Uncertain significance for Ehlers-Danlos syndrome, spondylodysplastic type, 2; Spondyloepimetaphyseal dysplasia with joint laxity. Last evaluated: 2021-09-01. Review status: criteria provided, single submitter. Criteria: Invitae Variant Classification Sherloc (09022015). Collection method: clinical testing. Allele origin: germline.
Comment: This sequence change replaces proline with serine at codon 123 of the B3GALT6 protein (p.Pro123Ser). The proline residue is moderately conserved and there is a moderate physicochemical difference between proline and serine. This variant is not present in population databases (ExAC no frequency). This variant has not been reported in the literature in individuals affected with B3GALT6-related conditions. ClinVar contains an entry for this variant (Variation ID: 387709). Algorithms developed to predict the effect of missense changes on protein structure and function are either unavailable or do not agree on the potential impact of this missense change (SIFT: "Tolerated"; PolyPhen-2: "Possibly Damaging"; Align-GVGD: "Class C0"). In summary, the available evidence is currently insufficient to determine the role of this variant in disease. Therefore, it has been classified as a Variant of Uncertain Significance.

GeneDx
Classification: Uncertain significance. Last evaluated: 2016-07-05. Review status: criteria provided, single submitter. Criteria: GeneDx Variant Classification (06012015). Collection method: clinical testing. Allele origin: germline. Affected: yes.
Comment: The P123S variant in the B3GALT6 gene has not been reported previously as a pathogenic variant, nor as a benign variant, to our knowledge. The P123S variant was not observed in approximately 6200 individuals of European and African American ancestry in the NHLBI Exome Sequencing Project, indicating it is not a common benign variant in these populations. The P123S variant is a non-conservative amino acid substitution, which is likely to impact secondary protein structure as these residues differ in polarity, charge, size and/or other properties. This substitution occurs at a position that is conserved across species, however, in silico analysis is inconsistent in its predictions as to whether or not the variant is damaging to the protein structure/function. Therefore, we interpret P123S as a variant of uncertain significance.